The following is an entry in ClinVar:

NM_001346810.2(DLGAP2):c.174C>T (p.Asp58=)

Gene: DLGAP2 (DLG associated protein 2; plus strand). Cytogenetic location: 8p23.3.
Variant type: single nucleotide variant.
Coding change: c.174C>T on transcript NM_001346810.2 (MANE Select); coding-DNA position 174, C replaced by T.
Protein change: p.Asp58=; no amino-acid change (aspartic acid 58 retained).
Molecular consequence: synonymous variant.
Genome position (GRCh38, 1-based): chr8:1,548,627, C>T. VCF-style: chr8-1548627-C-T. GRCh37 (hg19) VCF-style: chr8-1496793-C-T.
Identifiers: ClinVar variation 2658291 (VCV002658291.24), dbSNP rs769477449, ClinGen allele CA4597991.

ClinVar aggregate classification (germline): Likely benign (1 of 4 stars; one submission).

Allele frequency attached by ClinVar (database versions not stated): gnomAD 0.00005; ExAC 0.00016.
gnomAD v4.1: 67 of 1,523,714 alleles (0.0044%); highest among the groups gnomAD compares: Non-Finnish European, 0.0055%; no homozygotes.

Submission:

CeGaT Center for Human Genetics Tuebingen
Classification: Likely benign. Last evaluated: 2022-09-01. Review status: criteria provided, single submitter. Criteria: CeGaT Center For Human Genetics Tuebingen Variant Classification Criteria Version 2. Collection method: clinical testing. Allele origin: germline. Affected: yes. Observed: 1 variant allele.
Comment: DLGAP2: BP4, BP7